The following is an entry in ClinVar:

ClinVar aggregate classification (germline): Uncertain significance (1 of 4 stars; one submission).

Conditions:
Cardiomyopathy (CMYO). Also called: Cardiomyopathies. Identifiers: Orphanet 167848, MedGen C0878544, MONDO:0004994, HP:0001638. Inheritance: Various modes of inheritance.

Allele frequency attached by ClinVar (database versions not stated): gnomAD exomes below 0.00001; ExAC 0.00001.

Submission:

Color Diagnostics, LLC DBA Color Health
Classification: Uncertain significance for Cardiomyopathy. Last evaluated: 2024-03-06. Review status: criteria provided, single submitter. Criteria: ACMG Guidelines, 2015. Collection method: clinical testing. Allele origin: germline.
Comment: This missense variant replaces glutamic acid with aspartic acid at codon 4224 of the RYR2 protein. Computational prediction tool suggests that this variant may not impact protein structure and function (internally defined REVEL score threshold <=0.5, PMID: 27666373). Splice site prediction tools suggest that this variant may not impact RNA splicing. To our knowledge, functional studies have not been performed for this variant. This variant has not been reported in individuals affected with cardiovascular disorders in the literature. This variant has been identified in 1/248502 chromosomes in the general population by the Genome Aggregation Database (gnomAD). The available evidence is insufficient to determine the role of this variant in disease conclusively. Therefore, this variant is classified as a Variant of Uncertain Significance.

NM_001035.3(RYR2):c.12672G>C (p.Glu4224Asp)

Genes: RYR2 (ryanodine receptor 2; plus strand), LOC126806068 (BRD4-independent group 4 enhancer GRCh37_chr1:237947411-237948610; plus strand). Cytogenetic location: 1q43.
Variant type: single nucleotide variant.
Coding change: c.12672G>C on transcript NM_001035.3 (MANE Select); coding-DNA position 12672, G replaced by C.
Protein change: p.Glu4224Asp; replaces glutamic acid 4224 with aspartic acid.
Molecular consequence: missense variant.
Genome position (GRCh38, 1-based): chr1:237,784,384, G>C. VCF-style: chr1-237784384-G-C. GRCh37 (hg19) VCF-style: chr1-237947684-G-C.
Other names: short protein forms E4224D.
Identifiers: ClinVar variation 926011 (VCV000926011.4), dbSNP rs746898186, ClinGen allele CA085216.